The following is an entry in ClinVar:

NM_001083962.2(TCF4):c.1354G>A (p.Gly452Arg)

Genes: TCF4 (transcription factor 4; minus strand), LOC121627832 (Sharpr-MPRA regulatory region 5538; plus strand). Cytogenetic location: 18q21.2.
Variant type: single nucleotide variant.
Coding change: c.1354G>A on transcript NM_001083962.2 (MANE Select); coding-DNA position 1354, G replaced by A.
Protein change: p.Gly452Arg; replaces glycine 452 with arginine.
Molecular consequence: missense variant.
Genome position (GRCh38, 1-based): chr18:55,234,680, C>T on the plus strand (G>A on the coding strand, the complement: TCF4 is on the minus strand). VCF-style: chr18-55234680-C-T. GRCh37 (hg19) VCF-style: chr18-52901911-C-T.
Other names: NM_001083962.2(TCF4):c.1354G>A; p.Gly452Arg; c.1660G>A, p.Gly554Arg (NM_001243226.3); c.1282G>A, p.Gly428Arg (NM_001243227.2, NM_001306207.1, NM_001348217.1 and 5 more transcripts); c.1372G>A, p.Gly458Arg (NM_001243228.2); c.1345G>A, p.Gly449Arg (NM_001243230.2); c.1228G>A, p.Gly410Arg (NM_001243231.2, NM_001348211.2); c.1141G>A, p.Gly381Arg (NM_001243232.1, NM_001306208.1); and 8 more; short protein forms G452R, G322R, G428R, G292R, G410R, G427R, G449R, G451R.
Identifiers: ClinVar variation 212376 (VCV000212376.23), dbSNP rs138570124, ClinGen allele CA208027.

ClinVar aggregate classification (germline): Uncertain significance. Review status: reviewed by expert panel (3 of 4 stars). 6 submissions from 6 submitters: Uncertain significance (1). 5 of the submissions do not count toward it. Last evaluated 2025-05-07.

Conditions:
Inborn genetic diseases. Identifiers: MedGen C0950123, MeSH D030342.
Pitt-Hopkins syndrome (PTHS). Also called: ENCEPHALOPATHY, SEVERE EPILEPTIC, WITH AUTONOMIC DYSFUNCTION; MENTAL RETARDATION, SYNDROMAL, WITH INTERMITTENT HYPERVENTILATION. Identifiers: Orphanet 2896, MedGen C1970431, MONDO:0012589, OMIM 610954.

Allele frequency attached by ClinVar (database versions not stated): gnomAD 0.00002 and 0.00003; TOPMed 0.00003; gnomAD exomes 0.00005 and 0.00014; ESP Exome Variant Server 0.00015; 1000 Genomes Project 30x 0.00016; 1000 Genomes Project 0.00020; ExAC 0.00025.
gnomAD v4.1: 87 of 1,614,096 alleles (0.0054%); highest among the groups gnomAD compares: Non-Finnish European, 0.0063%; no homozygotes.

Submissions (6):

ClinGen Rett and Angelman-like Disorders Variant Curation Expert Panel
Classification: Uncertain significance for Pitt-Hopkins syndrome. Last evaluated: 2025-05-07. Review status: reviewed by expert panel. Criteria: ClinGen RettAS ACMG Specifications TCF4 V4.0.0. Collection method: curation. Allele origin: germline. Inheritance: Autosomal dominant inheritance.
Comment: The highest population minor allele frequency of the p.Gly452Arg variant in TCF4 in gnomAD v4.1 is 0.0001120 in "remaining" populations, which is higher than the ClinGen Rett and Angelman-like Disorders VCEP threshold (≥0.00008) for BS1, and therefore meets this criterion (BS1). Computational prediction analysis tools are inconclusive for this variant. The p.Gly452Arg variant is not currently published and is not present in additional databases (internal and publicly available), therefore, no additional criteria are applicable at this time. In summary, the p.Gly452Arg variant in TCF4 is classified as a variant of uncertain significance based on the ACMG/AMP criteria (BS1). (TCF4 Specifications v.4.0; curation approved on [5/7/2025])

Labcorp Genetics (formerly Invitae), Labcorp
Classification: Uncertain significance for Pitt-Hopkins syndrome. Last evaluated: 2025-09-23. Review status: criteria provided, single submitter. Criteria: Invitae Variant Classification Sherloc (09022015). Collection method: clinical testing. Allele origin: germline. Not counted in ClinVar's aggregate classification.
Comment: This sequence change replaces glycine, which is neutral and non-polar, with arginine, which is basic and polar, at codon 452 of the TCF4 protein (p.Gly452Arg). This variant is present in population databases (rs138570124, gnomAD 0.03%), and has an allele count higher than expected for a pathogenic variant. This variant has not been reported in the literature in individuals affected with TCF4-related conditions. ClinVar contains an entry for this variant (Variation ID: 212376). Invitae Evidence Modeling of protein sequence and biophysical properties (such as structural, functional, and spatial information, amino acid conservation, physicochemical variation, residue mobility, and thermodynamic stability) indicates that this missense variant is not expected to disrupt TCF4 protein function with a negative predictive value of 80%. In summary, the available evidence is currently insufficient to determine the role of this variant in disease. Therefore, it has been classified as a Variant of Uncertain Significance.

Ambry Genetics
Classification: Likely benign for Inborn genetic diseases. Last evaluated: 2024-11-21. Review status: criteria provided, single submitter. Criteria: Ambry Variant Classification Scheme 2023. Collection method: clinical testing. Allele origin: germline. Not counted in ClinVar's aggregate classification.

Illumina Laboratory Services, Illumina
Classification: Benign for Pitt-Hopkins syndrome. Last evaluated: 2018-01-13. Review status: criteria provided, single submitter. Criteria: ICSL Variant Classification Criteria 13 December 2019. Collection method: clinical testing. Allele origin: germline. Not counted in ClinVar's aggregate classification.
Comment: This variant was observed in the ICSL laboratory as part of a predisposition screen in an ostensibly healthy population. It had not been previously curated by ICSL or reported in the Human Gene Mutation Database (HGMD: prior to June 1st, 2018), and was therefore a candidate for classification through an automated scoring system. Utilizing variant allele frequency, disease prevalence and penetrance estimates, and inheritance mode, an automated score was calculated to assess if this variant is too frequent to cause the disease. Based on the score and internal cut-off values, a variant classified as benign is not then subjected to further curation. The score for this variant resulted in a classification of benign for this disease.

Eurofins Ntd Llc (ga)
Classification: Uncertain significance. Last evaluated: 2015-09-21. Review status: criteria provided, single submitter. Criteria: EGL Classification Definitions 2015. Collection method: clinical testing. Allele origin: germline. Observed: 1 variant allele, 1 heterozygote. Not counted in ClinVar's aggregate classification.

Genetic Services Laboratory, University of Chicago
Classification: Uncertain significance. Last evaluated: 2015-05-29. Review status: criteria provided, single submitter. Criteria: ACMG Guidelines, 2015. Collection method: clinical testing. Allele origin: germline. Not counted in ClinVar's aggregate classification.